The following is an entry in ClinVar:

ClinVar aggregate classification (germline): Uncertain significance (1 of 4 stars; one submission).

Conditions:
Inborn genetic diseases. Identifiers: MedGen C0950123, MeSH D030342.

gnomAD v4.1: 2 of 1,614,132 alleles (0.00012%); highest among the groups gnomAD compares: East Asian, 0.0045%; no homozygotes.

Submission:

Ambry Genetics
Classification: Uncertain significance for Inborn genetic diseases. Last evaluated: 2025-04-06. Review status: criteria provided, single submitter. Criteria: Ambry Variant Classification Scheme 2023. Collection method: clinical testing. Allele origin: germline.
Comment: The p.V101G variant (also known as c.302T>G), located in coding exon 1 of the SAMD9 gene, results from a T to G substitution at nucleotide position 302. The valine at codon 101 is replaced by glycine, an amino acid with dissimilar properties. This amino acid position is conserved. In addition, this alteration is predicted to be tolerated by in silico analysis. Based on the available evidence, the clinical significance of this variant remains unclear.

NM_017654.4(SAMD9):c.302T>G (p.Val101Gly)

Gene: SAMD9 (sterile alpha motif domain containing 9; minus strand). Cytogenetic location: 7q21.2.
Variant type: single nucleotide variant.
Coding change: c.302T>G on transcript NM_017654.4 (MANE Select); coding-DNA position 302, T replaced by G.
Protein change: p.Val101Gly; replaces valine 101 with glycine.
Molecular consequence: missense variant.
Genome position (GRCh38, 1-based): chr7:93,105,796, A>C on the plus strand (T>G on the coding strand, the complement: SAMD9 is on the minus strand). VCF-style: chr7-93105796-A-C. GRCh37 (hg19) VCF-style: chr7-92735109-A-C.
Other names: c.302T>G, p.Val101Gly (NM_001193307.2); short protein forms V101G.
Identifiers: ClinVar variation 2300844 (VCV002300844.3), dbSNP rs559163594, ClinGen allele CA368205533.